The following is an entry in ClinVar:

ClinVar aggregate classification (germline): Likely benign (0 of 4 stars; one submission).

Conditions:
KRT10-related disorder. Also called: KRT10-related condition.

Submission:

PreventionGenetics, part of Exact Sciences
Classification: Likely benign for KRT10-related condition. Last evaluated: 2024-06-21. Review status: no assertion criteria provided. Collection method: clinical testing. Allele origin: germline.
Comment: This variant is classified as likely benign based on ACMG/AMP sequence variant interpretation guidelines (Richards et al. 2015 PMID: 25741868, with internal and published modifications).

NM_000421.5(KRT10):c.207C>A (p.Gly69=)

Genes: KRT10 (keratin 10; minus strand), KRT10-AS1 (KRT10 antisense RNA 1; plus strand). Cytogenetic location: 17q21.2.
Variant type: single nucleotide variant.
Coding change: c.207C>A on transcript NM_000421.5 (MANE Select); coding-DNA position 207, C replaced by A.
Protein change: p.Gly69=; no amino-acid change (glycine 69 retained).
Molecular consequence: synonymous variant.
Genome position (GRCh38, 1-based): chr17:40,822,379, G>T on the plus strand (C>A on the coding strand, the complement: KRT10 is on the minus strand). VCF-style: chr17-40822379-G-T. GRCh37 (hg19) VCF-style: chr17-38978631-G-T.
Other names: c.207C>A, p.Gly69= (NM_001379366.1).
Identifiers: ClinVar variation 3357332 (VCV003357332.1).